The following is an entry in ClinVar:

NM_001130021.3(ATP6V0A1):c.2471C>G (p.Pro824Arg)

Gene: ATP6V0A1 (ATPase H+ transporting V0 subunit a1; plus strand). Cytogenetic location: 17q21.2.
Variant type: single nucleotide variant.
Coding change: c.2471C>G on transcript NM_001130021.3 (MANE Select); coding-DNA position 2471, C replaced by G.
Protein change: p.Pro824Arg; replaces proline 824 with arginine.
Molecular consequence: missense variant.
Genome position (GRCh38, 1-based): chr17:42,521,077, C>G. VCF-style: chr17-42521077-C-G. GRCh37 (hg19) VCF-style: chr17-40673095-C-G.
Other names: c.2474C>G, p.Pro825Arg (NM_001130020.3); c.2492C>G, p.Pro831Arg (NM_001378522.1); c.2366C>G, p.Pro789Arg (NM_001378523.1); c.2669C>G, p.Pro890Arg (NM_001378530.1); c.2615C>G, p.Pro872Arg (NM_001378531.1); c.2597C>G, p.Pro866Arg (NM_001378532.1); c.2594C>G, p.Pro865Arg (NM_001378533.1); c.2567C>G, p.Pro856Arg (NM_001378534.1); and 20 more; short protein forms P725A, P742R, P747R, P748R, P753R, P754R, P761A, P764R.
Identifiers: ClinVar variation 3731491 (VCV003731491.1).
Genomic context (GRCh38, chr17:42,521,077, plus strand): 5'-CTTTCTCCAGGGTTGAGTTCCAGAATAAATTCTACAGCGGGACCGGTTTCAAGTTCTTAC[C>G]CTTCTCCTTCGAGCATATTCGGGAAGGGAAGTTTGAAGAGTGAGTCCCTGTGAGGGCCGT-3'
Protein context (NP_001123493.1, residues 814-834): FYSGTGFKFL[Pro824Arg]FSFEHIREGK

ClinVar aggregate classification (germline): Uncertain significance (1 of 4 stars; one submission).

Conditions:
Developmental and epileptic encephalopathy 104 (DEE104). Identifiers: MedGen C5774183, MONDO:0031021, OMIM 619970.

gnomAD v4.1: 21 of 1,610,114 alleles (0.0013%); highest among the groups gnomAD compares: South Asian, 0.02%; no homozygotes.

Submission:

Neuberg Centre For Genomic Medicine, NCGM
Classification: Uncertain significance for Developmental and epileptic encephalopathy 104. Review status: criteria provided, single submitter. Criteria: ACMG Guidelines, 2015. Collection method: clinical testing. Allele origin: germline. Inheritance: Autosomal dominant inheritance. Affected: yes.
Comment: The missense c.2471C>G (p.Pro824Arg) variant in ATP6V0A1 gene has not been reported previously as a pathogenic variant nor as a benign variant, to our knowledge. The p.Pro824Arg variant is present with allele frequency of 0.003% in gnomAD Exomes. This variant has not been submitted to the ClinVar database. Multiple lines of computational evidence (Polyphen - Probably Damaging, SIFT - Damaging and MutationTaster - Disease causing) predict a damaging effect on protein structure and function for this variant. The reference amino acid at this position on ATP6V0A1 is predicted as conserved by GERP++ and PhyloP across 100 vertebrates. The amino acid Pro at position 824 is changed to a Arg changing protein sequence and it might alter its composition and physico-chemical properties. For these reasons, this variant has been classified as a Variant of Uncertain Significance (VUS).